The following is an entry in ClinVar:

NM_000352.6(ABCC8):c.4608+4A>G

Gene: ABCC8 (ATP binding cassette subfamily C member 8; minus strand). Cytogenetic location: 11p15.1.
Variant type: single nucleotide variant.
Coding change: c.4608+4A>G on transcript NM_000352.6 (MANE Select); 4 bases into the intron after coding-DNA position 4608, A replaced by G.
Molecular consequence: intron variant.
Genome position (GRCh38, 1-based): chr11:17,393,693, T>C on the plus strand (A>G on the coding strand, the complement: ABCC8 is on the minus strand). VCF-style: chr11-17393693-T-C. GRCh37 (hg19) VCF-style: chr11-17415240-T-C.
Other names: c.4605+4A>G (NM_001351297.2); c.4608+4A>G (NM_001351296.2); c.4674+4A>G (NM_001351295.2); c.4611+4A>G (NM_001287174.3).
Identifiers: ClinVar variation 5003669 (VCV005003669.1).

ClinVar aggregate classification (germline): Uncertain significance (1 of 4 stars; one submission).

Conditions:
Hyperinsulinemic hypoglycemia, familial, 1 (HHF1). Also called: Persistent hyperinsulinemic hypoglycemia of infancy; NESIDIOBLASTOSIS OF PANCREAS; HYPERINSULINISM, FAMILIAL, WITH PANCREATIC NESIDIOBLASTOSIS; HYPOGLYCEMIA, HYPERINSULINEMIC, OF INFANCY; Persistent Hyperinsulinemia Hypoglycemia of Infancy. Identifiers: Orphanet 276575, Orphanet 276598, MedGen C2931832, MONDO:0009734, OMIM 256450.

Submission:

Myriad Genetics, Inc.
Classification: Uncertain significance for Hyperinsulinemic hypoglycemia, familial, 1. Last evaluated: 2025-10-17. Review status: criteria provided, single submitter. Criteria: Myriad Autosomal Dominant, Autosomal Recessive and X-Linked Classification Criteria (2023). Collection method: clinical testing. Allele origin: unknown.
Comment: NM_000352.3(ABCC8):c.4608+4A>G is an intronic variant classified as a variant of uncertain significance in the context of familial hyperinsulinism, ABCC8-related. c.4608+4A>G has been observed in a case with relevant disease (PMID: 32027066). Relevant functional assessments of this variant are not available in the literature. c.4608+4A>G has not been observed in referenced population frequency databases. In summary, there is insufficient evidence to classify NM_000352.3(ABCC8):c.4608+4A>G as pathogenic or benign. Please note: this variant was assessed in the context of healthy population screening.

Literature cited by the submitters: PubMed 32027066.